The following is an entry in ClinVar:

NM_000135.4(FANCA):c.3603A>C (p.Gln1201His)

Gene: FANCA (FA complementation group A; minus strand). Cytogenetic location: 16q24.3.
Variant type: single nucleotide variant.
Coding change: c.3603A>C on transcript NM_000135.4 (MANE Select); coding-DNA position 3603, A replaced by C.
Protein change: p.Gln1201His; replaces glutamine 1201 with histidine.
Molecular consequence: missense variant.
Genome position (GRCh38, 1-based): chr16:89,744,982, T>G on the plus strand (A>C on the coding strand, the complement: FANCA is on the minus strand). VCF-style: chr16-89744982-T-G. GRCh37 (hg19) VCF-style: chr16-89811390-T-G.
Other names: c.3603A>C, p.Gln1201His (NM_001286167.3); c.3603A>C (NM_000135.2); short protein forms Q1201H.
Identifiers: ClinVar variation 1432657 (VCV001432657.7), dbSNP rs1157577447, ClinGen allele CA397485616.

ClinVar aggregate classification (germline): Uncertain significance. Review status: criteria provided, multiple submitters, no conflicts (2 of 4 stars). 2 submissions from 2 submitters: Uncertain significance (2). Last evaluated 2025-11-02.

Conditions:
Inborn genetic diseases. Identifiers: MedGen C0950123, MeSH D030342.
Fanconi anemia (FA). Also called: Fanconi's anemia. Identifiers: Orphanet 84, MedGen C0015625, MeSH D005199, MONDO:0019391.

Submissions (2):

Ambry Genetics
Classification: Uncertain significance for Inborn genetic diseases. Last evaluated: 2025-11-02. Review status: criteria provided, single submitter. Criteria: Ambry Variant Classification Scheme 2023. Collection method: clinical testing. Allele origin: germline.
Comment: The p.Q1201H variant (also known as c.3603A>C), located in coding exon 36 of the FANCA gene, results from an A to C substitution at nucleotide position 3603. The glutamine at codon 1201 is replaced by histidine, an amino acid with highly similar properties. This amino acid position is conserved. In addition, this alteration is predicted to be tolerated by in silico analysis. Based on the available evidence, the clinical significance of this variant remains unclear.

Labcorp Genetics (formerly Invitae), Labcorp
Classification: Uncertain significance for Fanconi anemia. Last evaluated: 2025-04-01. Review status: criteria provided, single submitter. Criteria: Invitae Variant Classification Sherloc (09022015). Collection method: clinical testing. Allele origin: germline.
Comment: This sequence change replaces glutamine, which is neutral and polar, with histidine, which is basic and polar, at codon 1201 of the FANCA protein (p.Gln1201His). This variant is not present in population databases (gnomAD no frequency). This variant has not been reported in the literature in individuals affected with FANCA-related conditions. ClinVar contains an entry for this variant (Variation ID: 1432657). Invitae Evidence Modeling of protein sequence and biophysical properties (such as structural, functional, and spatial information, amino acid conservation, physicochemical variation, residue mobility, and thermodynamic stability) indicates that this missense variant is not expected to disrupt FANCA protein function with a negative predictive value of 95%. In summary, the available evidence is currently insufficient to determine the role of this variant in disease. Therefore, it has been classified as a Variant of Uncertain Significance.